The following is an entry in ClinVar:

ClinVar aggregate classification (germline): Pathogenic (1 of 4 stars; one submission).

Conditions:
Mucopolysaccharidosis, MPS-IV-A (MPS4A). Also called: Morquio syndrome A, mild; MORQUIO SYNDROME A; GALACTOSAMINE-6-SULFATASE DEFICIENCY; GALNS DEFICIENCY; MORQUIO A DISEASE; Mucopolysaccharidosis type IV A. Identifiers: Orphanet 309297, Orphanet 582, MedGen C0086651, MONDO:0009659, OMIM 253000.

Submission:

Labcorp Genetics (formerly Invitae), Labcorp
Classification: Pathogenic for Mucopolysaccharidosis, MPS-IV-A. Last evaluated: 2023-03-12. Review status: criteria provided, single submitter. Criteria: Invitae Variant Classification Sherloc (09022015). Collection method: clinical testing. Allele origin: unknown.
Comment: For these reasons, this variant has been classified as Pathogenic. This variant has not been reported in the literature in individuals affected with GALNS-related conditions. This variant is a gross deletion of the genomic region encompassing exon(s) 2-3 of the GALNS gene, which includes the initiator codon. This deletion extends beyond the assayed region for this gene and therefore may encompass additional genes. It is expected to result in an absent or disrupted protein product. Loss-of-function variants in GALNS are known to be pathogenic (PMID: 12442278).

Literature cited by the submitters: PubMed 12442278.

NC_000016.9:g.(?_88908285)_(88909257_?)del

Gene: GALNS (galactosamine (N-acetyl)-6-sulfatase; minus strand). Cytogenetic location: 16q24.3.
Variant type: Deletion.
Identifiers: ClinVar variation 3243322 (VCV003243322.1).